The following is an entry in ClinVar:

NM_152703.5(SAMD9L):c.1104A>C (p.Gln368His)

Gene: SAMD9L (sterile alpha motif domain containing 9 like; minus strand). Cytogenetic location: 7q21.2.
Variant type: single nucleotide variant.
Coding change: c.1104A>C on transcript NM_152703.5 (MANE Select); coding-DNA position 1104, A replaced by C.
Protein change: p.Gln368His; replaces glutamine 368 with histidine.
Molecular consequence: missense variant.
Genome position (GRCh38, 1-based): chr7:93,134,868, T>G on the plus strand (A>C on the coding strand, the complement: SAMD9L is on the minus strand). VCF-style: chr7-93134868-T-G. GRCh37 (hg19) VCF-style: chr7-92764181-T-G.
Other names: c.1104A>C, p.Gln368His (NM_001303496.3, NM_001303497.3, NM_001303498.3 and 5 more transcripts); short protein forms Q368H.
Identifiers: ClinVar variation 4159472 (VCV004159472.1).

ClinVar aggregate classification (germline): Uncertain significance (1 of 4 stars; one submission).

Conditions:
Inborn genetic diseases. Identifiers: MedGen C0950123, MeSH D030342.

Submission:

Ambry Genetics
Classification: Uncertain significance for Inborn genetic diseases. Last evaluated: 2025-09-11. Review status: criteria provided, single submitter. Criteria: Ambry Variant Classification Scheme 2023. Collection method: clinical testing. Allele origin: germline.
Comment: The p.Q368H variant (also known as c.1104A>C), located in coding exon 1 of the SAMD9L gene, results from an A to C substitution at nucleotide position 1104. The glutamine at codon 368 is replaced by histidine, an amino acid with highly similar properties. This amino acid position is conserved. In addition, this alteration is predicted to be tolerated by in silico analysis. Based on the available evidence, the clinical significance of this variant remains unclear.